The following is an entry in ClinVar:

ClinVar aggregate classification (germline): Uncertain significance. Review status: criteria provided, multiple submitters, no conflicts (2 of 4 stars). 2 submissions from 2 submitters: Uncertain significance (2). Last evaluated 2025-11-04.

Conditions:
DICER1-related tumor predisposition. Also called: DICER1 syndrome; DICER1-related pleuropulmonary blastoma cancer predisposition syndrome. Identifiers: Orphanet 284343, MedGen C3839822, MONDO:0100216.
Hereditary cancer-predisposing syndrome. Also called: Tumor predisposition; Hereditary neoplastic syndrome; Neoplastic Syndromes, Hereditary; Hereditary Cancer Syndrome. Identifiers: Orphanet 140162, MedGen C0027672, MeSH D009386, MONDO:0015356.

Submissions (2):

Ambry Genetics
Classification: Uncertain significance for Hereditary cancer-predisposing syndrome. Last evaluated: 2025-11-04. Review status: criteria provided, single submitter. Criteria: Ambry Variant Classification Scheme 2023. Collection method: clinical testing. Allele origin: germline.
Comment: The c.1576_1614dup39 variant (also known as p.V526_D538dup), located in coding exon 9 of the DICER1 gene, results from an in-frame duplication of 39 nucleotides at nucleotide positions 1576 to 1614. This results in the duplication of 13 extra residues (VDIPKCNLVVRFD) between codons 526 and 538. This amino acid region is highly conserved in available vertebrate species. In addition, this variant is predicted to be deleterious by in silico analysis (Choi Y et al. PLoS ONE. 2012; 7(10):e46688). Based on the available evidence, the clinical significance of this variant remains unclear.

Labcorp Genetics (formerly Invitae), Labcorp
Classification: Uncertain significance for DICER1-related tumor predisposition. Last evaluated: 2024-10-22. Review status: criteria provided, single submitter. Criteria: Invitae Variant Classification Sherloc (09022015). Collection method: clinical testing. Allele origin: germline.
Comment: This variant, c.1576_1614dup, results in the insertion of 13 amino acid(s) of the DICER1 protein (p.Val526_Asp538dup), but otherwise preserves the integrity of the reading frame. This variant is present in population databases (no rsID available, gnomAD 0.0009%). This variant has not been reported in the literature in individuals affected with DICER1-related conditions. ClinVar contains an entry for this variant (Variation ID: 1383997). Experimental studies and prediction algorithms are not available or were not evaluated, and the functional significance of this variant is currently unknown. In summary, the available evidence is currently insufficient to determine the role of this variant in disease. Therefore, it has been classified as a Variant of Uncertain Significance.

NM_177438.3(DICER1):c.1576_1614dup (p.Val526_Asp538dup)

Gene: DICER1 (dicer 1, ribonuclease III; minus strand). Cytogenetic location: 14q32.13.
Variant type: Duplication.
Coding change: c.1576_1614dup on transcript NM_177438.3 (MANE Select); coding-DNA positions 1576 to 1614, 39 bases duplicated.
Protein change: p.Val526_Asp538dup.
Molecular consequence: inframe insertion.
Genome position (GRCh38, 1-based): chr14:95,116,591-95,116,629, 39 bases duplicated; duplicating any 39 consecutive bases within chr14:95,116,591-95,116,630 gives the same sequence; the c. name uses the placement nearest the transcript's 3' end. GRCh37 (hg19): chr14:95,582,929-95,582,967.
Other names: c.1576_1614dup, p.Val526_Asp538dup (NM_001195573.1, NM_001271282.3, NM_001291628.2 and 1 more transcripts); c.1576_1614dupGTTGATATACCAAAATGCAACTTGGTGGTTCGTTTTGAT (NM_177438.2).
Identifiers: ClinVar variation 1383997 (VCV001383997.8), dbSNP rs1178213683, ClinGen allele CA616115618.
Genomic context (GRCh38, chr14:95,116,590, plus strand): 5'-TAGAGATGGGTGCCCTTGCTCTTCCTTTAGATTGAACATAGGATCGATATTCTGTGGGCA[A>AATCAAAACGAACCACCAAGTTGCATTTTGGTATATCAAC]ATCAAAACGAACCACCAAGTTGCATTTTGGTATATCAACACCCTCTTCTACAATACTTGT-3'